The following is an entry in ClinVar:

NM_000884.3(IMPDH2):c.1273A>C (p.Ser425Arg)

Gene: IMPDH2 (inosine monophosphate dehydrogenase 2; minus strand). Cytogenetic location: 3p21.31.
Variant type: single nucleotide variant.
Coding change: c.1273A>C on transcript NM_000884.3 (MANE Select); coding-DNA position 1273, A replaced by C.
Protein change: p.Ser425Arg; replaces serine 425 with arginine.
Molecular consequence: missense variant.
Genome position (GRCh38, 1-based): chr3:49,024,918, T>G on the plus strand (A>C on the coding strand, the complement: IMPDH2 is on the minus strand). VCF-style: chr3-49024918-T-G. GRCh37 (hg19) VCF-style: chr3-49062351-T-G.
Other names: c.1345A>C, p.Ser449Arg (NM_001410759.1); c.1270A>C, p.Ser424Arg (NM_001410760.1); c.1198A>C, p.Ser400Arg (NM_001410761.1); short protein forms S400R, S424R, S425R, S449R.
Identifiers: ClinVar variation 3383735 (VCV003383735.1).

ClinVar aggregate classification (germline): Uncertain significance (1 of 4 stars; one submission).

Submission:

GeneDx
Classification: Uncertain significance. Last evaluated: 2024-05-28. Review status: criteria provided, single submitter. Criteria: GeneDx Variant Classification Process June 2021. Collection method: clinical testing. Allele origin: germline. Affected: yes.
Comment: Not observed at significant frequency in large population cohorts (gnomAD); In silico analysis supports that this missense variant has a deleterious effect on protein structure/function; Has not been previously published as pathogenic or benign to our knowledge